The following is an entry in ClinVar:

NM_006642.5(SDCCAG8):c.198C>T (p.Pro66=)

Gene: SDCCAG8 (SHH signaling and ciliogenesis regulator SDCCAG8; plus strand). Cytogenetic location: 1q43.
Variant type: single nucleotide variant.
Coding change: c.198C>T on transcript NM_006642.5 (MANE Select); coding-DNA position 198, C replaced by T.
Protein change: p.Pro66=; no amino-acid change (proline 66 retained).
Molecular consequence: synonymous variant. On other transcripts: 5 prime UTR variant (4).
Genome position (GRCh38, 1-based): chr1:243,270,235, C>T. VCF-style: chr1-243270235-C-T. GRCh37 (hg19) VCF-style: chr1-243433537-C-T.
Other names: c.-915C>T (NM_001350246.2); c.-803C>T (NM_001350247.2); c.198C>T, p.Pro66= (NM_001350248.2); c.-97C>T (NM_001350249.2); c.-1176C>T (NM_001350251.2); c.198C>T (NM_006642.3).
Identifiers: ClinVar variation 1079154 (VCV001079154.11), dbSNP rs201715098, ClinGen allele CA1483218.

ClinVar aggregate classification (germline): Likely benign. Review status: criteria provided, single submitter (1 of 4 stars). 2 submissions from 2 submitters: Likely benign (1). 1 of the submissions does not count toward it. Last evaluated 2025-12-09.

Conditions:
SDCCAG8-related disorder. Also called: SDCCAG8-Related Disorders; SDCCAG8-related condition.
Senior-Loken syndrome 7 (SLSN7). Identifiers: Orphanet 3156, MedGen C3150877, MONDO:0013326, OMIM 613615.
Bardet-Biedl syndrome 16 (BBS16). Identifiers: Orphanet 110, MedGen C3889474, MONDO:0014444, OMIM 615993.

Allele frequency attached by ClinVar (database versions not stated): gnomAD 0.00001; gnomAD exomes 0.00001 and 0.00002; TOPMed 0.00002; ExAC 0.00003; 1000 Genomes Project 30x 0.00016; 1000 Genomes Project 0.00020.
gnomAD v4.1: 18 of 1,614,032 alleles (0.0011%); highest among the groups gnomAD compares: East Asian, 0.0022%; no homozygotes.

Submissions (2):

Labcorp Genetics (formerly Invitae), Labcorp
Classification: Likely benign for Bardet-Biedl syndrome 16; Senior-Loken syndrome 7. Last evaluated: 2025-12-09. Review status: criteria provided, single submitter. Criteria: Invitae Variant Classification Sherloc (09022015). Collection method: clinical testing. Allele origin: germline.

PreventionGenetics, part of Exact Sciences
Classification: Likely benign for SDCCAG8-related condition. Last evaluated: 2022-11-06. Review status: no assertion criteria provided. Collection method: clinical testing. Allele origin: germline. Not counted in ClinVar's aggregate classification.
Comment: This variant is classified as likely benign based on ACMG/AMP sequence variant interpretation guidelines (Richards et al. 2015 PMID: 25741868, with internal and published modifications).